The following is an entry in ClinVar:

NC_000017.10:g.(?_56769920)_(56811662_?)del

Gene: RAD51C (RAD51 paralog C; plus strand). Cytogenetic location: 17q22.
Variant type: Deletion.
Identifiers: ClinVar variation 1076896 (VCV001076896.3).

ClinVar aggregate classification (germline): Pathogenic (1 of 4 stars; one submission).

Conditions:
Fanconi anemia complementation group O. Also called: RAD51C-Related Fanconi Anemia. Identifiers: Orphanet 84, MedGen C3150653, MONDO:0013248, OMIM 613390.

Submission:

Labcorp Genetics (formerly Invitae), Labcorp
Classification: Pathogenic for Fanconi anemia complementation group O. Last evaluated: 2018-04-19. Review status: criteria provided, single submitter. Criteria: Invitae Variant Classification Sherloc (09022015). Collection method: clinical testing. Allele origin: germline.
Comment: A gross deletion of the genomic region encompassing the full coding sequence of the RAD51C gene has been identified. The boundaries of this event are unknown as the deletion extends beyond the assayed region for this gene and therefore may encompass additional genes. While this particular variant has not been reported in the literature, loss-of-function variants in RAD51C are known to be pathogenic (PMID: 20400964, 21990120, 24800917). For these reasons, this variant has been classified as Pathogenic.

Literature cited by the submitters: PubMed 20400964; PubMed 21990120; PubMed 24800917.